The following is an entry in ClinVar:

ClinVar aggregate classification (germline): Likely pathogenic (1 of 4 stars; one submission).

Conditions:
Aicardi-Goutieres syndrome 4. Identifiers: Orphanet 51, MedGen C1835912, MONDO:0012472, OMIM 610333.

Allele frequency attached by ClinVar (database versions not stated): gnomAD exomes below 0.00001.

Submission:

Department of Medical Genetics, Sanjay Gandhi Post Graduate Institute of Medical Sciences
Classification: Likely pathogenic for Aicardi-Goutieres syndrome 4. Review status: criteria provided, single submitter. Criteria: ACMG Guidelines, 2015. Collection method: research. Allele origin: germline. Inheritance: Autosomal recessive inheritance. Affected: yes. Observed: 1 homozygote.
Comment: Analysis of the exome sequencing data showed a novel homozygous sequence variant in RNASEH2A gene. This variant is predicted as Disease Causing by MutationTaster. This variant is not found in ExAC and 1000G databases.

NM_006397.3(RNASEH2A):c.320G>A (p.Gly107Glu)

Gene: RNASEH2A (ribonuclease H2 subunit A; plus strand). Cytogenetic location: 19p13.13.
Variant type: single nucleotide variant.
Coding change: c.320G>A on transcript NM_006397.3 (MANE Select); coding-DNA position 320, G replaced by A.
Protein change: p.Gly107Glu; replaces glycine 107 with glutamic acid.
Molecular consequence: missense variant.
Genome position (GRCh38, 1-based): chr19:12,807,326, G>A. VCF-style: chr19-12807326-G-A. GRCh37 (hg19) VCF-style: chr19-12918140-G-A.
Other names: short protein forms G107E.
Identifiers: ClinVar variation 983153 (VCV000983153.1), dbSNP rs2145824951, ClinGen allele CA404265443.